The following is an entry in ClinVar:

NM_001440.4(EXTL3):c.953C>T (p.Pro318Leu)

Gene: EXTL3 (exostosin like glycosyltransferase 3; plus strand). Cytogenetic location: 8p21.1.
Variant type: single nucleotide variant.
Coding change: c.953C>T on transcript NM_001440.4 (MANE Select); coding-DNA position 953, C replaced by T.
Protein change: p.Pro318Leu; replaces proline 318 with leucine.
Molecular consequence: missense variant.
Genome position (GRCh38, 1-based): chr8:28,717,012, C>T. VCF-style: chr8-28717012-C-T. GRCh37 (hg19) VCF-style: chr8-28574529-C-T.
Other names: short protein forms P318L.
Identifiers: ClinVar variation 623480 (VCV000623480.6), dbSNP rs749621890, ClinGen allele CA370858101.

ClinVar aggregate classification (germline): Pathogenic/Likely pathogenic. Review status: criteria provided, multiple submitters, no conflicts (2 of 4 stars). 2 submissions from 2 submitters: Pathogenic (1); Likely pathogenic (1). Last evaluated 2019-03-25.

Conditions:
Immunoskeletal dysplasia with neurodevelopmental abnormalities (ISDNA). Identifiers: MedGen C4479452, MONDO:0044312, OMIM 617425.

Allele frequency attached by ClinVar (database versions not stated): gnomAD exomes 0.00001; TOPMed 0.00001; gnomAD 0.00001.
gnomAD v4.1: 14 of 1,614,144 alleles (0.00087%); highest among the groups gnomAD compares: African/African-American, 0.0013%; no homozygotes.

Submissions (2):

GeneDx
Classification: Pathogenic. Last evaluated: 2019-03-25. Review status: criteria provided, single submitter. Criteria: GeneDx Variant Classification Process June 2021. Collection method: clinical testing. Allele origin: germline. Affected: yes.
Comment: Published functional studies demonstrate a damaging effect with significantly decreased enzyme activity compared to wild type (Guo et al., 2017); Not observed at a significant frequency in large population cohorts (Lek et al., 2016; McVean et al., 2012; Exome Variant Server); In silico analysis, which includes protein predictors and evolutionary conservation, supports a deleterious effect; This variant is associated with the following publications: (PMID: 28331220)

Foundation for Research in Genetics and Endocrinology, FRIGE's Institute of Human Genetics
Classification: Likely pathogenic for Immunoskeletal dysplasia with neurodevelopmental abnormalities. Last evaluated: 2019-03-13. Review status: criteria provided, single submitter. Criteria: ACMG Guidelines, 2015. Collection method: clinical testing. Allele origin: germline. Inheritance: Autosomal recessive inheritance. Affected: yes. Observed: 1 homozygote.
Comment: The observed variant NM_001440.3:c.953C>T/p.Pro318Leu is a homozygous missense variation in exon 3 of the EXTL3 gene. It has not been reported in the 1000 Genomes and ExAC databases but has been reported as a pathogenic variant by Guo. et al (2017). The in silico prediction of this variant is disease causing by PolyPhen-2, SIFT, LRT and MutationTaster2. The reference codon is conserved across species.